The following is an entry in ClinVar:

NM_000295.5(SERPINA1):c.1244C>T (p.Pro415Leu)

Gene: SERPINA1 (serpin family A member 1; minus strand). Cytogenetic location: 14q32.13.
Variant type: single nucleotide variant.
Coding change: c.1244C>T on transcript NM_000295.5 (MANE Select); coding-DNA position 1244, C replaced by T.
Protein change: p.Pro415Leu; replaces proline 415 with leucine.
Molecular consequence: missense variant.
Genome position (GRCh38, 1-based): chr14:94,378,462, G>A on the plus strand (C>T on the coding strand, the complement: SERPINA1 is on the minus strand). VCF-style: chr14-94378462-G-A. GRCh37 (hg19) VCF-style: chr14-94844799-G-A.
Other names: c.1244C>T, p.Pro415Leu (NM_001002235.3, NM_001002236.3, NM_001127700.2 and 7 more transcripts); short protein forms P415L.
Identifiers: ClinVar variation 1676807 (VCV001676807.2), dbSNP rs2139664128, ClinGen allele CA390847293.
Genomic context (GRCh38, chr14:94,378,462, plus strand): 5'-GGGAGGGGGCCAGGGATGGAGGGGAGGGGTTGAGGAGCGAGAGGCAGTTATTTTTGGGTG[G>A]GATTCACCACTTTTCCCATGAAGAGGGGAGACTTGGTATTTTGTTCAATCATTAAGAAGA-3'
Protein context (NP_000286.3, residues 405-418): SPLFMGKVVN[Pro415Leu]TQK

ClinVar aggregate classification (germline): Uncertain significance (1 of 4 stars; one submission).

Allele frequency attached by ClinVar (database versions not stated): gnomAD exomes below 0.00001.
gnomAD v4.1: 1 of 1,614,038 alleles (0.000062%); highest among the groups gnomAD compares: East Asian, 0.0022%; no homozygotes.

Submission:

MVZ Dr. Eberhard & Partner Dortmund
Classification: Uncertain significance. Last evaluated: 2021-10-19. Review status: criteria provided, single submitter. Criteria: ACMG Guidelines, 2015. Collection method: clinical testing. Allele origin: unknown. Observed: 1 heterozygote.
Comment: This sequence change is likely causing a substitution of proline with leucine at position 415 (trad. nomenclature 391) in the SERPINA1 protein (Grantham dist. 98, moderately conservative). The variant has not been reported in literature and is not present in controls from the Exome Sequencing Project, 1000 Genomes Project and the Genome Aggregation Database. It is listed in Varsome as VUS/likely pathogenic. Missense changes at the same codon have been reported in HGMD as pathogenic (substitution with histidine or tyrosine). The amino acid at this position is highly conserved and multiple lines of computational evidence support a deleterious effect on the gene product (SIFT: not tolerated; PolyPhen: Probably Damaging; MutationTaster2021: deleterious). This variant is considered be a variant of uncertain significance according to the ACMG guidelines.